The following is an entry in ClinVar:

ClinVar aggregate classification (germline): Uncertain significance (1 of 4 stars; one submission).

Submission:

Labcorp Genetics (formerly Invitae), Labcorp
Classification: Uncertain significance. Last evaluated: 2025-03-23. Review status: criteria provided, single submitter. Criteria: Invitae Variant Classification Sherloc (09022015). Collection method: clinical testing. Allele origin: germline.
Comment: This sequence change replaces aspartic acid, which is acidic and polar, with alanine, which is neutral and non-polar, at codon 971 of the LRP6 protein (p.Asp971Ala). This variant is not present in population databases (gnomAD no frequency). This variant has not been reported in the literature in individuals affected with LRP6-related conditions. Invitae Evidence Modeling of protein sequence and biophysical properties (such as structural, functional, and spatial information, amino acid conservation, physicochemical variation, residue mobility, and thermodynamic stability) indicates that this missense variant is not expected to disrupt LRP6 protein function with a negative predictive value of 80%. In summary, the available evidence is currently insufficient to determine the role of this variant in disease. Therefore, it has been classified as a Variant of Uncertain Significance.

NM_002336.3(LRP6):c.2912A>C (p.Asp971Ala)

Gene: LRP6 (LDL receptor related protein 6; minus strand). Cytogenetic location: 12p13.2.
Variant type: single nucleotide variant.
Coding change: c.2912A>C on transcript NM_002336.3 (MANE Select); coding-DNA position 2912, A replaced by C.
Protein change: p.Asp971Ala; replaces aspartic acid 971 with alanine.
Molecular consequence: missense variant. On other transcripts: non-coding transcript variant (1).
Genome position (GRCh38, 1-based): chr12:12,150,918, T>G on the plus strand (A>C on the coding strand, the complement: LRP6 is on the minus strand). VCF-style: chr12-12150918-T-G. GRCh37 (hg19) VCF-style: chr12-12303852-T-G.
Other names: c.2912A>C, p.Asp971Ala (NM_001414246.1, NM_001414248.1, NM_001414249.1 and 4 more transcripts); c.2714A>C, p.Asp905Ala (NM_001414247.1); c.2459A>C, p.Asp820Ala (NM_001414252.1, NM_001414253.1, NM_001414254.1); c.2405A>C, p.Asp802Ala (NM_001414255.1); short protein forms D802A, D820A, D971A, D905A.
Identifiers: ClinVar variation 4778838 (VCV004778838.1).
Genomic context (GRCh38, chr12:12,150,918, plus strand): 5'-TTTCGGATCATGTTTTGTCGTGAGTCAATCCAATAGAGTTGCTTGTCCAGTGGGTCATAG[T>G]CAATGGCCCGGACATTCCGAAGGCTGTGGATGGGAAGGATGATGTCGGGGCTCTGTTGTT-3'
Protein context (NP_002327.2, residues 961-981): IHSLRNVRAI[Asp971Ala]YDPLDKQLYW